The following is an entry in ClinVar:

ClinVar aggregate classification (germline): Uncertain significance. Review status: criteria provided, multiple submitters, no conflicts (2 of 4 stars). 2 submissions from 2 submitters: Uncertain significance (2). Last evaluated 2025-08-20.

Conditions:
Mitochondrial complex II deficiency, nuclear type 1. Also called: SUCCINATE CoQ REDUCTASE DEFICIENCY. Identifiers: Orphanet 3208, MedGen C5700310, MONDO:0100294, OMIM 252011.
Pheochromocytoma/paraganglioma syndrome 5. Also called: Paragangliomas 5; SDHA-Related Hereditary Paraganglioma-Pheochromocytoma Syndrome. Identifiers: Orphanet 29072, MedGen C3279992, MONDO:0013602, OMIM 614165.
Hereditary cancer-predisposing syndrome. Also called: Neoplastic Syndromes, Hereditary; Tumor predisposition; Hereditary neoplastic syndrome; Hereditary Cancer Syndrome. Identifiers: Orphanet 140162, MedGen C0027672, MeSH D009386, MONDO:0015356.

Allele frequency attached by ClinVar (database versions not stated): TOPMed below 0.00001; gnomAD 0.00001; gnomAD exomes 0.00001.
gnomAD v4.1: 4 of 1,613,556 alleles (0.00025%); highest among the groups gnomAD compares: Admixed American, 0.0017%; no homozygotes.

Submissions (2):

Ambry Genetics
Classification: Uncertain significance for Hereditary cancer-predisposing syndrome. Last evaluated: 2025-08-20. Review status: criteria provided, single submitter. Criteria: Ambry Variant Classification Scheme 2023. Collection method: clinical testing. Allele origin: germline.
Comment: The p.Y211C variant (also known as c.632A>G), located in coding exon 6 of the SDHA gene, results from an A to G substitution at nucleotide position 632. The tyrosine at codon 211 is replaced by cysteine, an amino acid with highly dissimilar properties. This amino acid position is highly conserved in available vertebrate species. In addition, this alteration is predicted to be deleterious by in silico analysis. Since supporting evidence is limited at this time, the clinical significance of this alteration remains unclear.

Labcorp Genetics (formerly Invitae), Labcorp
Classification: Uncertain significance for Pheochromocytoma/paraganglioma syndrome 5; Mitochondrial complex II deficiency, nuclear type 1. Last evaluated: 2025-05-19. Review status: criteria provided, single submitter. Criteria: Invitae Variant Classification Sherloc (09022015). Collection method: clinical testing. Allele origin: germline.
Comment: This sequence change replaces tyrosine, which is neutral and polar, with cysteine, which is neutral and slightly polar, at codon 211 of the SDHA protein (p.Tyr211Cys). This variant is not present in population databases (gnomAD no frequency). This variant has not been reported in the literature in individuals affected with SDHA-related conditions. ClinVar contains an entry for this variant (Variation ID: 640072). Invitae Evidence Modeling of protein sequence and biophysical properties (such as structural, functional, and spatial information, amino acid conservation, physicochemical variation, residue mobility, and thermodynamic stability) indicates that this missense variant is not expected to disrupt SDHA protein function with a negative predictive value of 95%. In summary, the available evidence is currently insufficient to determine the role of this variant in disease. Therefore, it has been classified as a Variant of Uncertain Significance.

NM_004168.4(SDHA):c.632A>G (p.Tyr211Cys)

Gene: SDHA (succinate dehydrogenase complex flavoprotein subunit A; plus strand). Cytogenetic location: 5p15.33.
Variant type: single nucleotide variant.
Coding change: c.632A>G on transcript NM_004168.4 (MANE Select); coding-DNA position 632, A replaced by G.
Protein change: p.Tyr211Cys; replaces tyrosine 211 with cysteine.
Molecular consequence: missense variant.
Genome position (GRCh38, 1-based): chr5:228,195, A>G. VCF-style: chr5-228195-A-G. GRCh37 (hg19) VCF-style: chr5-228310-A-G.
Other names: c.488A>G, p.Tyr163Cys (NM_001294332.2); c.632A>G, p.Tyr211Cys (NM_001330758.2); short protein forms Y163C, Y211C.
Identifiers: ClinVar variation 640072 (VCV000640072.15), dbSNP rs1235961098, ClinGen allele CA359010800.